The following is an entry in ClinVar:

NM_020066.5(FMN2):c.3297G>A (p.Pro1099=)

Gene: FMN2 (formin 2; plus strand). Cytogenetic location: 1q43.
Variant type: single nucleotide variant.
Coding change: c.3297G>A on transcript NM_020066.5 (MANE Select); coding-DNA position 3297, G replaced by A.
Protein change: p.Pro1099=; no amino-acid change (proline 1099 retained).
Molecular consequence: synonymous variant. On other transcripts: intron variant (1).
Genome position (GRCh38, 1-based): chr1:240,208,109, G>A. VCF-style: chr1-240208109-G-A. GRCh37 (hg19) VCF-style: chr1-240371409-G-A.
Other names: c.3297G>A (NM_020066.4); c.3309G>A, p.Pro1103= (NM_001305424.2); c.1986+19847G>A (NM_001348094.2).
Identifiers: ClinVar variation 2640180 (VCV002640180.26), dbSNP rs373533409, ClinGen allele CA1477077.

ClinVar aggregate classification (germline): Likely benign. Review status: criteria provided, multiple submitters, no conflicts (2 of 4 stars). 3 submissions from 3 submitters: Likely benign (2). 1 of the submissions does not count toward it. Last evaluated 2024-11-01.

Conditions:
FMN2-related disorder. Also called: FMN2-related condition.

Allele frequency attached by ClinVar (database versions not stated): ESP Exome Variant Server 0.00049.

Submissions (3):

Blueprint Genetics
Classification: Likely benign. Last evaluated: 2024-11-01. Review status: criteria provided, single submitter. Criteria: ACMG Guidelines, 2015. Collection method: clinical testing. Allele origin: germline.

CeGaT Center for Human Genetics Tuebingen
Classification: Likely benign. Last evaluated: 2022-07-01. Review status: criteria provided, single submitter. Criteria: CeGaT Center For Human Genetics Tuebingen Variant Classification Criteria Version 2. Collection method: clinical testing. Allele origin: germline. Affected: yes. Observed: 1 variant allele.
Comment: FMN2: BP4, BP7

PreventionGenetics, part of Exact Sciences
Classification: Likely benign for FMN2-related condition. Last evaluated: 2020-09-15. Review status: no assertion criteria provided. Collection method: clinical testing. Allele origin: germline. Not counted in ClinVar's aggregate classification.
Comment: This variant is classified as likely benign based on ACMG/AMP sequence variant interpretation guidelines (Richards et al. 2015 PMID: 25741868, with internal and published modifications).